The following is an entry in ClinVar:

ClinVar aggregate classification (germline): Uncertain significance (1 of 4 stars; one submission).

Submission:

Women's Health and Genetics/Laboratory Corporation of America, LabCorp
Classification: Uncertain significance. Last evaluated: 2025-07-17. Review status: criteria provided, single submitter. Criteria: LabCorp Variant Classification Summary - May 2015. Collection method: clinical testing. Allele origin: germline.
Comment: Variant summary: CFTR c.1079C>G (p.Thr360Arg) results in a non-conservative amino acid change in the encoded protein sequence. Algorithms developed to predict the effect of missense changes on protein structure and function are either unavailable or do not agree on the potential impact of this missense change. The variant was absent in 251008 control chromosomes. The available data on variant occurrences in the general population are insufficient to allow any conclusion about variant significance. To our knowledge, no occurrence of c.1079C>G in individuals affected with Cystic Fibrosis and no experimental evidence demonstrating its impact on protein function have been reported. No submitters have cited clinical-significance assessments for this variant to ClinVar. Based on the evidence outlined above, the variant was classified as uncertain significance.

NM_000492.4(CFTR):c.1079C>G (p.Thr360Arg)

Gene: CFTR (CF transmembrane conductance regulator; plus strand). Cytogenetic location: 7q31.2.
Variant type: single nucleotide variant.
Coding change: c.1079C>G on transcript NM_000492.4 (MANE Select); coding-DNA position 1079, C replaced by G.
Protein change: p.Thr360Arg; replaces threonine 360 with arginine.
Molecular consequence: missense variant.
Genome position (GRCh38, 1-based): chr7:117,540,309, C>G. VCF-style: chr7-117540309-C-G. GRCh37 (hg19) VCF-style: chr7-117180363-C-G.
Other names: short protein forms T360R.
Identifiers: ClinVar variation 4525826 (VCV004525826.1), dbSNP rs75053309.